The following is an entry in ClinVar:

ClinVar aggregate classification (germline): Likely benign (1 of 4 stars; one submission).

Conditions:
LTBP2-related disorder. Also called: LTBP2-related condition; LTBP2-related disorders.

gnomAD v4.1: 164 of 1,614,108 alleles (0.01%); highest among the groups gnomAD compares: South Asian, 0.16%; 3 homozygotes.

Submission:

PreventionGenetics, part of Exact Sciences
Classification: Likely benign for LTBP2-related condition. Last evaluated: 2026-09-23. Review status: criteria provided, single submitter. Criteria: ACMG Guidelines, 2015. Collection method: clinical testing. Allele origin: germline.
Comment: This variant is classified as likely benign based on ACMG/AMP sequence variant interpretation guidelines (Richards et al. 2015 PMID: 25741868, with internal and published modifications).

NM_000428.3(LTBP2):c.2932G>A (p.Gly978Ser)

Gene: LTBP2 (latent transforming growth factor beta binding protein 2; minus strand). Cytogenetic location: 14q24.3.
Variant type: single nucleotide variant.
Coding change: c.2932G>A on transcript NM_000428.3 (MANE Select); coding-DNA position 2932, G replaced by A.
Protein change: p.Gly978Ser; replaces glycine 978 with serine.
Molecular consequence: missense variant.
Genome position (GRCh38, 1-based): chr14:74,511,341, C>T on the plus strand (G>A on the coding strand, the complement: LTBP2 is on the minus strand). VCF-style: chr14-74511341-C-T. GRCh37 (hg19) VCF-style: chr14-74978044-C-T.
Other names: short protein forms G978S.
Identifiers: ClinVar variation 4981245 (VCV004981245.1).